The following is an entry in ClinVar:

ClinVar aggregate classification (germline): Pathogenic/Likely pathogenic. Review status: criteria provided, multiple submitters, no conflicts (2 of 4 stars). 2 submissions from 2 submitters: Pathogenic (1); Likely pathogenic (1). Last evaluated 2026-09-08.

Conditions:
Fabry disease. Also called: ALPHA-GALACTOSIDASE A DEFICIENCY; Fabry's disease; Ceramide trihexosidosis; Angiokeratoma corporis diffusum; ANDERSON-FABRY DISEASE; CERAMIDE TRIHEXOSIDASE DEFICIENCY. Identifiers: Orphanet 324, MedGen C0002986, MONDO:0010526, OMIM 301500, HP:0001071. Disease mechanism: loss of function, Fabry disease is due to inactivating mutations in the X-linked GLA gene resulting in deficiency of the enzyme Alpha Galactosidase-A..

Submissions (2):

Genomenon, Inc
Classification: Pathogenic for Fabry disease. Last evaluated: 2026-09-08. Review status: criteria provided, single submitter. Criteria: Genomenon Sequence Variant Interpretation Standards - Updated. Collection method: curation. Allele origin: germline. Affected: yes.
Comment: GLA p.Asp93Gly (c.278A>G) is a missense variant that changes the amino acid at codon 93 from Aspartic acid to Glycine. This variant has been observed in at least one proband with clinical features consistent with Fabry disease (PMID:8875188;26989114). A de novo occurrence of this variant has been observed in at least one affected individual (PMID:26989114). At least one functional study has demonstrated a substantial alteration in protein function relative to the wild-type (PMID:21972175;27657681). This variant is located in a mutational hotspot and/or important functional domain. It is absent or not present at a significant frequency in gnomAD. In silico models predict that this variant is possibly or probably damaging. In conclusion, we classify GLA p.Asp93Gly (c.278A>G) as a pathogenic variant.

Labcorp Genetics (formerly Invitae), Labcorp
Classification: Likely pathogenic for Fabry disease. Last evaluated: 2024-11-14. Review status: criteria provided, single submitter. Criteria: Invitae Variant Classification Sherloc (09022015). Collection method: clinical testing. Allele origin: germline.
Comment: This sequence change replaces aspartic acid, which is acidic and polar, with glycine, which is neutral and non-polar, at codon 93 of the GLA protein (p.Asp93Gly). This variant is not present in population databases (gnomAD no frequency). This missense change has been observed in individuals with Fabry disease (PMID: 8875188; external communications). Invitae Evidence Modeling of protein sequence and biophysical properties (such as structural, functional, and spatial information, amino acid conservation, physicochemical variation, residue mobility, and thermodynamic stability) indicates that this missense variant is expected to disrupt GLA protein function with a positive predictive value of 80%. Experimental studies have shown that this missense change affects GLA function (PMID: 21972175). This variant disrupts the p.Asp93 amino acid residue in GLA. Other variant(s) that disrupt this residue have been determined to be pathogenic (PMID: 15712228, 15806320, 16595074, 18205205). This suggests that this residue is clinically significant, and that variants that disrupt this residue are likely to be disease-causing. In summary, the currently available evidence indicates that the variant is pathogenic, but additional data are needed to prove that conclusively. Therefore, this variant has been classified as Likely Pathogenic.

Literature cited by the submitters: PubMed 8875188 (cited by Genomenon, Inc and Labcorp Genetics (formerly Invitae), Labcorp); PubMed 26989114 (cited by Genomenon, Inc); PubMed 21972175 (cited by Genomenon, Inc and Labcorp Genetics (formerly Invitae), Labcorp); PubMed 27657681 (cited by Genomenon, Inc); PubMed 15712228 (cited by Labcorp Genetics (formerly Invitae), Labcorp); PubMed 15806320 (cited by Labcorp Genetics (formerly Invitae), Labcorp); PubMed 16595074 (cited by Labcorp Genetics (formerly Invitae), Labcorp); PubMed 18205205 (cited by Labcorp Genetics (formerly Invitae), Labcorp).

NM_000169.3(GLA):c.278A>G (p.Asp93Gly)

Genes: GLA (galactosidase alpha; minus strand), RPL36A-HNRNPH2 (RPL36A-HNRNPH2 readthrough; plus strand). Cytogenetic location: Xq22.1.
Variant type: single nucleotide variant.
Coding change: c.278A>G on transcript NM_000169.3 (MANE Select); coding-DNA position 278, A replaced by G.
Protein change: p.Asp93Gly; replaces aspartic acid 93 with glycine.
Molecular consequence: missense variant. On other transcripts: non-coding transcript variant (3), intron variant (2).
Genome position (GRCh38, 1-based): chrX:101,403,902, T>C on the plus strand (A>G on the coding strand, the complement: GLA is on the minus strand). VCF-style: chrX-101403902-T-C. GRCh37 (hg19) VCF-style: chrX-100658890-T-C.
Other names: c.401A>G, p.Asp134Gly (NM_001406747.1, NM_001406749.1); c.278A>G, p.Asp93Gly (NM_001406748.1); c.301-8034T>C (NM_001199973.2); c.178-8034T>C (NM_001199974.2); short protein forms D134G, D93G.
Identifiers: ClinVar variation 3724332 (VCV003724332.4).